The following is an entry in ClinVar:

ClinVar aggregate classification (germline): Uncertain significance (1 of 4 stars; one submission).

Conditions:
Charcot-Marie-Tooth disease axonal type 2C (HMSN2C). Also called: Charcot-Marie-Tooth Disease Type 2, TRPV4-Related (CMT2C); CHARCOT-MARIE-TOOTH DISEASE, AXONAL, AUTOSOMAL DOMINANT, TYPE 2C; Charcot-Marie-Tooth Neuropathy Type 2C. Identifiers: Orphanet 99937, MedGen C1853710, MONDO:0011633, OMIM 606071.

Allele frequency attached by ClinVar (database versions not stated): TOPMed below 0.00001.

Submission:

Labcorp Genetics (formerly Invitae), Labcorp
Classification: Uncertain significance for Charcot-Marie-Tooth disease axonal type 2C. Last evaluated: 2020-02-26. Review status: criteria provided, single submitter. Criteria: Invitae Variant Classification Sherloc (09022015). Collection method: clinical testing. Allele origin: germline.
Comment: This sequence change replaces cysteine with tyrosine at codon 250 of the TRPV4 protein (p.Cys250Tyr). The cysteine residue is moderately conserved and there is a large physicochemical difference between cysteine and tyrosine. This variant is not present in population databases (ExAC no frequency). This variant has not been reported in the literature in individuals with TRPV4-related conditions. Algorithms developed to predict the effect of missense changes on protein structure and function are either unavailable or do not agree on the potential impact of this missense change (SIFT: "Tolerated"; PolyPhen-2: "Probably Damaging"; Align-GVGD: "Class C0"). In summary, the available evidence is currently insufficient to determine the role of this variant in disease. Therefore, it has been classified as a Variant of Uncertain Significance.

NM_021625.5(TRPV4):c.749G>A (p.Cys250Tyr)

Gene: TRPV4 (transient receptor potential cation channel subfamily V member 4; minus strand). Cytogenetic location: 12q24.11.
Variant type: single nucleotide variant.
Coding change: c.749G>A on transcript NM_021625.5 (MANE Select); coding-DNA position 749, G replaced by A.
Protein change: p.Cys250Tyr; replaces cysteine 250 with tyrosine.
Molecular consequence: missense variant. On other transcripts: intron variant (2).
Genome position (GRCh38, 1-based): chr12:109,800,722, C>T on the plus strand (G>A on the coding strand, the complement: TRPV4 is on the minus strand). VCF-style: chr12-109800722-C-T. GRCh37 (hg19) VCF-style: chr12-110238527-C-T.
Other names: c.647G>A, p.Cys216Tyr (NM_001177431.2); c.749G>A, p.Cys250Tyr (NM_147204.3); c.713-1810G>A (NM_001177433.1, NM_001177428.1); short protein forms C216Y, C250Y.
Identifiers: ClinVar variation 1024873 (VCV001024873.8), dbSNP rs937032628, ClinGen allele CA386655445.